The following is an entry in ClinVar:

NM_001174147.2(LMX1B):c.692G>C (p.Arg231Pro)

Gene: LMX1B (LIM homeobox transcription factor 1 beta; plus strand). Cytogenetic location: 9q33.3.
Variant type: single nucleotide variant.
Coding change: c.692G>C on transcript NM_001174147.2 (MANE Select); coding-DNA position 692, G replaced by C.
Protein change: p.Arg231Pro; replaces arginine 231 with proline.
Molecular consequence: missense variant.
Genome position (GRCh38, 1-based): chr9:126,693,274, G>C. VCF-style: chr9-126693274-G-C. GRCh37 (hg19) VCF-style: chr9-129455553-G-C.
Other names: c.692G>C, p.Arg231Pro (NM_001174146.2, NM_002316.4); short protein forms R231P.
Identifiers: ClinVar variation 3720900 (VCV003720900.2).

ClinVar aggregate classification (germline): Likely pathogenic (1 of 4 stars; one submission).

Submission:

Labcorp Genetics (formerly Invitae), Labcorp
Classification: Likely pathogenic. Last evaluated: 2024-08-15. Review status: criteria provided, single submitter. Criteria: Invitae Variant Classification Sherloc (09022015). Collection method: clinical testing. Allele origin: germline.
Comment: This sequence change replaces arginine, which is basic and polar, with proline, which is neutral and non-polar, at codon 231 of the LMX1B protein (p.Arg231Pro). This variant is not present in population databases (gnomAD no frequency). This missense change has been observed in individual(s) with nail-patella syndrome (PMID: 20531206; Invitae). In at least one individual the variant was observed to be de novo. This variant is also known as c.623G>C; p.R208P. Invitae Evidence Modeling of protein sequence and biophysical properties (such as structural, functional, and spatial information, amino acid conservation, physicochemical variation, residue mobility, and thermodynamic stability) indicates that this missense variant is expected to disrupt LMX1B protein function with a positive predictive value of 80%. In summary, the currently available evidence indicates that the variant is pathogenic, but additional data are needed to prove that conclusively. Therefore, this variant has been classified as Likely Pathogenic.

Literature cited by the submitters: PubMed 20531206.